The following is an entry in ClinVar:

NM_015488.5(PNKD):c.*1723T>C

Genes: CATIP-AS2 (CATIP antisense RNA 2; minus strand), PNKD (PNKD metallo-beta-lactamase domain containing; plus strand). Cytogenetic location: 2q35.
Variant type: single nucleotide variant.
Coding change: c.*1723T>C on transcript NM_015488.5 (MANE Select); 1723 bases downstream of the stop codon, T replaced by C.
Molecular consequence: 3 prime UTR variant.
Genome position (GRCh38, 1-based): chr2:218,346,704, T>C. VCF-style: chr2-218346704-T-C. GRCh37 (hg19) VCF-style: chr2-219211427-T-C.
Other names: c.*1723T>C (NM_022572.5).
Identifiers: ClinVar variation 334351 (VCV000334351.5), dbSNP rs58320146, ClinGen allele CA10612816.

ClinVar aggregate classification (germline): Benign (1 of 4 stars; one submission).

Conditions:
Paroxysmal nonkinesigenic dyskinesia 1 (PNKD1). Also called: Nonkinesigenic choreoathetosis; Familial paroxysmal choreoathetosis; DYSTONIA 8; Familial Paroxysmal Nonkinesigenic Dyskinesia; MOUNT-REBACK SYNDROME; PxMD-PNKD. Identifiers: Orphanet 98810, MedGen C4551506, MONDO:0700089, OMIM 118800, MONDO:0007326.

Allele frequency attached by ClinVar (database versions not stated): 1000 Genomes Project 0.01018; 1000 Genomes Project 30x 0.01109; ESP Exome Variant Server 0.00832; gnomAD 0.00886 and 0.00937; TOPMed 0.00977.

Submission:

Illumina Laboratory Services, Illumina
Classification: Benign for Paroxysmal nonkinesigenic dyskinesia 1. Last evaluated: 2018-01-12. Review status: criteria provided, single submitter. Criteria: ICSL Variant Classification Criteria 13 December 2019. Collection method: clinical testing. Allele origin: germline.
Comment: This variant was observed in the ICSL laboratory as part of a predisposition screen in an ostensibly healthy population. It had not been previously curated by ICSL or reported in the Human Gene Mutation Database (HGMD: prior to June 1st, 2018), and was therefore a candidate for classification through an automated scoring system. Utilizing variant allele frequency, disease prevalence and penetrance estimates, and inheritance mode, an automated score was calculated to assess if this variant is too frequent to cause the disease. Based on the score and internal cut-off values, a variant classified as benign is not then subjected to further curation. The score for this variant resulted in a classification of benign for this disease.